The following is an entry in ClinVar:

ClinVar aggregate classification (germline): Uncertain significance (1 of 4 stars; one submission).

Allele frequency attached by ClinVar (database versions not stated): gnomAD 0.00001.

Submission:

Labcorp Genetics (formerly Invitae), Labcorp
Classification: Uncertain significance. Last evaluated: 2020-03-18. Review status: criteria provided, single submitter. Criteria: Invitae Variant Classification Sherloc (09022015). Collection method: clinical testing. Allele origin: germline.
Comment: This sequence change replaces glycine with valine at codon 67 of the ORC4 protein (p.Gly67Val). The glycine residue is highly conserved and there is a moderate physicochemical difference between glycine and valine. This variant is not present in population databases (ExAC no frequency). This variant has not been reported in the literature in individuals with ORC4-related conditions. Algorithms developed to predict the effect of missense changes on protein structure and function are either unavailable or do not agree on the potential impact of this missense change (SIFT: "Deleterious"; PolyPhen-2: "Probably Damaging"; Align-GVGD: "Class C0"). In summary, the available evidence is currently insufficient to determine the role of this variant in disease. Therefore, it has been classified as a Variant of Uncertain Significance.

NM_181741.4(ORC4):c.200G>T (p.Gly67Val)

Gene: ORC4 (origin recognition complex subunit 4; minus strand). Cytogenetic location: 2q23.1.
Variant type: single nucleotide variant.
Coding change: c.200G>T on transcript NM_181741.4 (MANE Select); coding-DNA position 200, G replaced by T.
Protein change: p.Gly67Val; replaces glycine 67 with valine.
Molecular consequence: missense variant. On other transcripts: 5 prime UTR variant (2), intron variant (1).
Genome position (GRCh38, 1-based): chr2:147,972,764, C>A on the plus strand (G>T on the coding strand, the complement: ORC4 is on the minus strand). VCF-style: chr2-147972764-C-A. GRCh37 (hg19) VCF-style: chr2-148730333-C-A.
Other names: c.200G>T, p.Gly67Val (NM_001190879.3, NM_001374270.1, NM_002552.5 and 1 more transcripts); c.-23G>T (NM_001190882.3); c.-118G>T (NM_001374272.1); c.-27-13898G>T (NM_001190881.3); short protein forms G67V.
Identifiers: ClinVar variation 1007497 (VCV001007497.8), dbSNP rs1258186563, ClinGen allele CA348715772.